The following is an entry in ClinVar:

NC_000019.10:g.(?_49166021)_(49172128_?)del

Gene: TRPM4 (transient receptor potential cation channel subfamily M member 4; plus strand). Cytogenetic location: 19q13.33.
Variant type: Deletion.
Identifiers: ClinVar variation 468924 (VCV000468924.7).

ClinVar aggregate classification (germline): Uncertain significance (1 of 4 stars; one submission).

Conditions:
Progressive familial heart block type IB (PFHB1B). Identifiers: Orphanet 871, MedGen C1970298, MONDO:0011474, OMIM 604559.

Submission:

Labcorp Genetics (formerly Invitae), Labcorp
Classification: Uncertain significance for Progressive familial heart block type IB. Last evaluated: 2024-01-24. Review status: criteria provided, single submitter. Criteria: Invitae Variant Classification Sherloc (09022015). Collection method: clinical testing. Allele origin: germline.
Comment: This sequence change creates a premature translational stop signal (Deletion (Exons 3-9)) in the TRPM4 gene. It is expected to result in an absent or disrupted protein product. However, the current clinical and genetic evidence is not sufficient to establish whether loss-of-function variants in TRPM4 cause disease. This variant has not been reported in the literature in individuals affected with TRPM4-related conditions. In summary, the available evidence is currently insufficient to determine the role of this variant in disease. Therefore, it has been classified as a Variant of Uncertain Significance.